The following is an entry in ClinVar:

NM_023036.6(DNAI2):c.325_326insTAGTTCTCATCTTTCT (p.Ala109fs)

Gene: DNAI2 (dynein axonemal intermediate chain 2; plus strand). Cytogenetic location: 17q25.1.
Variant type: Insertion.
Coding change: c.325_326insTAGTTCTCATCTTTCT on transcript NM_023036.6 (MANE Select); coding-DNA positions 325 to 326, TAGTTCTCATCTTTCT inserted.
Protein change: p.Ala109fs; shifts the reading frame from alanine 109.
Molecular consequence: frameshift variant. On other transcripts: non-coding transcript variant (1).
Genome position: GRCh38 VCF-style: chr17-74285181-G-GTAGTTCTCATCTTTCT. GRCh37 (hg19) VCF-style: chr17-72281320-G-GTAGTTCTCATCTTTCT.
Other names: c.325_326insTAGTTCTCATCTTTCT, p.Ala109fs (NM_001172810.3, NM_001353167.2); short protein forms A109fs.
Identifiers: ClinVar variation 5010627 (VCV005010627.1).

ClinVar aggregate classification (germline): Pathogenic (1 of 4 stars; one submission).

Conditions:
Primary ciliary dyskinesia 9. Also called: CILIARY DYSKINESIA, PRIMARY, 9, WITH OR WITHOUT SITUS INVERSUS. Identifiers: Orphanet 244, MedGen C2676235, MONDO:0012906, OMIM 612444.

Submission:

Myriad Genetics, Inc.
Classification: Pathogenic for Primary ciliary dyskinesia 9. Last evaluated: 2024-05-14. Review status: criteria provided, single submitter. Criteria: Myriad Autosomal Dominant, Autosomal Recessive and X-Linked Classification Criteria (2023). Collection method: clinical testing. Allele origin: unknown.
Comment: NM_023036.4(DNAI2):c.325_326ins16(A109Vfs*25) is expected to be pathogenic in the context of primary ciliary dyskinesia, DNAI2-related. This variant is predicted to lead to an abnormal or absent protein product due to the creation of a premature termination codon in DNAI2, a gene where loss-of-function variants are known to be pathogenic. Please note: this variant was assessed in the context of healthy population screening.